The following is an entry in ClinVar:

ClinVar aggregate classification (germline): Uncertain significance. Review status: criteria provided, multiple submitters, no conflicts (2 of 4 stars). 2 submissions from 2 submitters: Uncertain significance (2). Last evaluated 2026-01-12.

Conditions:
Inborn genetic diseases. Identifiers: MedGen C0950123, MeSH D030342.

gnomAD v4.1: 9 of 1,552,626 alleles (0.00058%); highest among the groups gnomAD compares: African/African-American, 0.0014%; no homozygotes.

Submissions (2):

Labcorp Genetics (formerly Invitae), Labcorp
Classification: Uncertain significance. Last evaluated: 2026-01-12. Review status: criteria provided, single submitter. Criteria: Invitae Variant Classification Sherloc (09022015). Collection method: clinical testing. Allele origin: germline.
Comment: This sequence change replaces glutamine, which is neutral and polar, with arginine, which is basic and polar, at codon 671 of the LTBP2 protein (p.Gln671Arg). The frequency data for this variant in the population databases is considered unreliable, as metrics indicate poor data quality at this position in the gnomAD database. This variant has not been reported in the literature in individuals affected with LTBP2-related conditions. ClinVar contains an entry for this variant (Variation ID: 1912558). An algorithm developed to predict the effect of missense changes on protein structure and function (PolyPhen-2) suggests that this variant is likely to be disruptive. In summary, the available evidence is currently insufficient to determine the role of this variant in disease. Therefore, it has been classified as a Variant of Uncertain Significance.

Ambry Genetics
Classification: Uncertain significance for Inborn genetic diseases. Last evaluated: 2025-08-23. Review status: criteria provided, single submitter. Criteria: Ambry Variant Classification Scheme 2023. Collection method: clinical testing. Allele origin: germline.

NM_000428.3(LTBP2):c.2012A>G (p.Gln671Arg)

Gene: LTBP2 (latent transforming growth factor beta binding protein 2; minus strand). Cytogenetic location: 14q24.3.
Variant type: single nucleotide variant.
Coding change: c.2012A>G on transcript NM_000428.3 (MANE Select); coding-DNA position 2012, A replaced by G.
Protein change: p.Gln671Arg; replaces glutamine 671 with arginine.
Molecular consequence: missense variant.
Genome position (GRCh38, 1-based): chr14:74,529,098, T>C on the plus strand (A>G on the coding strand, the complement: LTBP2 is on the minus strand). VCF-style: chr14-74529098-T-C. GRCh37 (hg19) VCF-style: chr14-74995801-T-C.
Other names: c.2012A>G (NM_000428.2); short protein forms Q671R.
Identifiers: ClinVar variation 1912558 (VCV001912558.6), dbSNP rs201372116, ClinGen allele CA390395928.